The following is an entry in ClinVar:

NM_182925.5(FLT4):c.1472C>T (p.Ala491Val)

Gene: FLT4 (fms related receptor tyrosine kinase 4; minus strand). Cytogenetic location: 5q35.3.
Variant type: single nucleotide variant.
Coding change: c.1472C>T on transcript NM_182925.5 (MANE Select); coding-DNA position 1472, C replaced by T.
Protein change: p.Ala491Val; replaces alanine 491 with valine.
Molecular consequence: missense variant.
Genome position (GRCh38, 1-based): chr5:180,624,011, G>A on the plus strand (C>T on the coding strand, the complement: FLT4 is on the minus strand). VCF-style: chr5-180624011-G-A. GRCh37 (hg19) VCF-style: chr5-180051011-G-A.
Other names: c.1472C>T, p.Ala491Val (NM_001354989.2, NM_002020.5); short protein forms A491V.
Identifiers: ClinVar variation 1140580 (VCV001140580.28), dbSNP rs146167161, ClinGen allele CA3606713.

ClinVar aggregate classification (germline): Conflicting classifications of pathogenicity. Review status: criteria provided, conflicting classifications (1 of 4 stars). 3 submissions from 3 submitters: Uncertain significance (1); Likely benign (2). Last evaluated 2024-08-12.

Conditions:
Hereditary lymphedema type I (LMPHM1). Also called: Milroy Disease; Nonne-Milroy disease; Congenital hereditary lymphedema; Early onset lymphedema; Hereditary lymphedema 1; Primary congenital lymphedema. Identifiers: Orphanet 79452, MedGen C1704423, MONDO:0007919, OMIM 153100.

Allele frequency attached by ClinVar (database versions not stated): gnomAD exomes 0.00002 and 0.00006; ExAC 0.00008; gnomAD 0.00025 and 0.00028; TOPMed 0.00033; ESP Exome Variant Server 0.00038.
gnomAD v4.1: 69 of 1,613,132 alleles (0.0043%); highest among the groups gnomAD compares: African/African-American, 0.072%; no homozygotes.

Submissions (3):

Clinical Genomics Laboratory, Washington University in St. Louis
Classification: Uncertain significance for Hereditary lymphedema type I. Last evaluated: 2024-08-12. Review status: criteria provided, single submitter. Criteria: ACMG Guidelines, 2015. Collection method: clinical testing. Allele origin: germline.
Comment: A FLT4 c.1472C>T (p.Ala491Val) variant was identified at a near heterozygous allelic fraction of 49.5%, a frequency which may be consistent with it being of germline origin. This variant has been reported in three cancer cases as a somatic variant in the cancer database COSMIC (COSMIC ID: COSV56099675). The FLT4 c.1472C>T (p.Ala491Val) variant has been reported in the ClinVar database as a germline likely benign variant by two submitters (ClinVar ID: 1140580). This variant is observed on 69/1,613,132 alleles in the general population (gnomAD v4.1.0). Computational predictors are uncertain as to the impact of this variant on FLT4 function. Due to limited information and based on ACMG/AMP guidelines for variant interpretation (Richards S et al., PMID: 25741868), the clinical significance of the FLT4 c.1472C>T (p.Ala491Val) variant is uncertain at this time.

CeGaT Center for Human Genetics Tuebingen
Classification: Likely benign. Last evaluated: 2024-03-01. Review status: criteria provided, single submitter. Criteria: CeGaT Center For Human Genetics Tuebingen Variant Classification Criteria Version 2. Collection method: clinical testing. Allele origin: germline. Affected: yes. Observed: 1 variant allele.
Comment: FLT4: BP4

Labcorp Genetics (formerly Invitae), Labcorp
Classification: Likely benign. Last evaluated: 2019-12-07. Review status: criteria provided, single submitter. Criteria: Invitae Variant Classification Sherloc (09022015). Collection method: clinical testing. Allele origin: germline.